The following is an entry in ClinVar:

NM_152269.5(MTRFR):c.244G>A (p.Val82Met)

Gene: MTRFR (mitochondrial translation release factor in rescue; plus strand). Cytogenetic location: 12q24.31.
Variant type: single nucleotide variant.
Coding change: c.244G>A on transcript NM_152269.5 (MANE Select); coding-DNA position 244, G replaced by A.
Protein change: p.Val82Met; replaces valine 82 with methionine.
Molecular consequence: missense variant.
Genome position (GRCh38, 1-based): chr12:123,253,918, G>A. VCF-style: chr12-123253918-G-A. GRCh37 (hg19) VCF-style: chr12-123738465-G-A.
Other names: p.V82M:GTG>ATG; c.244G>A, p.Val82Met (NM_001143905.2, NM_001194995.1); short protein forms V82M.
Identifiers: ClinVar variation 214191 (VCV000214191.7), dbSNP rs374311195, ClinGen allele CA320742.

ClinVar aggregate classification (germline): Uncertain significance. Review status: criteria provided, multiple submitters, no conflicts (2 of 4 stars). 2 submissions from 2 submitters: Uncertain significance (2). Last evaluated 2022-08-19.

Conditions:
Combined oxidative phosphorylation defect type 7. Identifiers: Orphanet 254930, MedGen C3150801, MONDO:0013306, OMIM 613559.
Spastic paraplegia. Identifiers: MedGen C0037772, HP:0001258.

Allele frequency attached by ClinVar (database versions not stated): gnomAD 0.00002; TOPMed 0.00002; ESP Exome Variant Server 0.00008.
gnomAD v4.1: 37 of 1,614,076 alleles (0.0023%); highest among the groups gnomAD compares: Middle Eastern, 0.016%; no homozygotes.

Submissions (2):

Labcorp Genetics (formerly Invitae), Labcorp
Classification: Uncertain significance for Combined oxidative phosphorylation defect type 7; Spastic paraplegia. Last evaluated: 2022-08-19. Review status: criteria provided, single submitter. Criteria: Invitae Variant Classification Sherloc (09022015). Collection method: clinical testing. Allele origin: germline.
Comment: This sequence change replaces valine, which is neutral and non-polar, with methionine, which is neutral and non-polar, at codon 82 of the C12orf65 protein (p.Val82Met). This variant is present in population databases (rs374311195, gnomAD 0.02%). This variant has not been reported in the literature in individuals affected with C12orf65-related conditions. ClinVar contains an entry for this variant (Variation ID: 214191). Algorithms developed to predict the effect of missense changes on protein structure and function are either unavailable or do not agree on the potential impact of this missense change (SIFT: "Deleterious"; PolyPhen-2: "Probably Damaging"; Align-GVGD: "Class C15"). In summary, the available evidence is currently insufficient to determine the role of this variant in disease. Therefore, it has been classified as a Variant of Uncertain Significance.

GeneDx
Classification: Uncertain significance. Last evaluated: 2014-04-23. Review status: criteria provided, single submitter. Criteria: GeneDx Variant Classification (06012015). Collection method: clinical testing. Allele origin: germline. Affected: yes.
Comment: p.Val82Met (GTG>ATG): c.244 G>A in exon 2 of the C12ORF65 gene (NM_152269.4)A variant of unknown significance has been identified in the C12ORF65 gene. The V82M variant has not been published as a mutation, nor has it been reported as a benign polymorphism to our knowledge. The V82M variant is a conservative amino acid substitution, which is not likely to impact secondary protein structure as these residues share similar properties. This substitution occurs at a position that is conserved across species. In silico analysis predicts this variant is probably damaging to the protein structure/function. Missense mutations in this gene have not been reported as pathogenic. Therefore, based on the currently available information, it is unclear whether this variant is a pathogenic mutation or a rare benign variant. The variant is found in MITONUC-MITOP panel(s).